The following is an entry in ClinVar:

ClinVar aggregate classification (germline): Uncertain significance (1 of 4 stars; one submission).

Conditions:
Myasthenic syndrome, congenital, 22 (CMS22). Also called: PREPL DEFICIENCY. Identifiers: MedGen C4479088, MONDO:0044299, OMIM 616224.

gnomAD v4.1: 1 of 1,613,632 alleles (0.000062%); no homozygotes.

Submission:

Labcorp Genetics (formerly Invitae), Labcorp
Classification: Uncertain significance for Myasthenic syndrome, congenital, 22. Last evaluated: 2024-08-05. Review status: criteria provided, single submitter. Criteria: Invitae Variant Classification Sherloc (09022015). Collection method: clinical testing. Allele origin: germline.
Comment: This sequence change replaces histidine, which is basic and polar, with tyrosine, which is neutral and polar, at codon 365 of the PREPL protein (p.His365Tyr). This variant is present in population databases (no rsID available, gnomAD 0.007%). This variant has not been reported in the literature in individuals affected with PREPL-related conditions. ClinVar contains an entry for this variant (Variation ID: 1371768). Advanced modeling of protein sequence and biophysical properties (such as structural, functional, and spatial information, amino acid conservation, physicochemical variation, residue mobility, and thermodynamic stability) performed at Invitae indicates that this missense variant is not expected to disrupt PREPL protein function with a negative predictive value of 80%. In summary, the available evidence is currently insufficient to determine the role of this variant in disease. Therefore, it has been classified as a Variant of Uncertain Significance.

NM_001171613.2(PREPL):c.826C>T (p.His276Tyr)

Gene: PREPL (prolyl endopeptidase like; minus strand). Cytogenetic location: 2p21.
Variant type: single nucleotide variant.
Coding change: c.826C>T on transcript NM_001171613.2 (MANE Select); coding-DNA position 826, C replaced by T.
Protein change: p.His276Tyr; replaces histidine 276 with tyrosine.
Molecular consequence: missense variant. On other transcripts: intron variant (1).
Genome position (GRCh38, 1-based): chr2:44,338,413, G>A on the plus strand (C>T on the coding strand, the complement: PREPL is on the minus strand). VCF-style: chr2-44338413-G-A. GRCh37 (hg19) VCF-style: chr2-44565552-G-A.
Other names: c.826C>T, p.His276Tyr (NM_001171617.1, NM_001374277.1); c.1093C>T, p.His365Tyr (NM_001374275.1, NM_001374276.1, NM_006036.4 and 3 more transcripts); c.969+734C>T (NM_001042385.2); short protein forms H365Y, H276Y.
Identifiers: ClinVar variation 1371768 (VCV001371768.5), dbSNP rs1456483986, ClinGen allele CA346691490.